The following is an entry in ClinVar:

ClinVar aggregate classification (germline): Uncertain significance. Review status: criteria provided, multiple submitters, no conflicts (2 of 4 stars). 5 submissions from 5 submitters: Uncertain significance (5). Last evaluated 2026-09-18.

Conditions:
Sick sinus syndrome 3, susceptibility to (SSS3). Identifiers: Orphanet 166282, MedGen C3279791, MONDO:0013568, OMIM 614090.
Hypertrophic cardiomyopathy 1 (CMH1). Also called: MYH7-Related Familial Hypertrophic Cardiomyopathy; Familial hypertrophic cardiomyopathy 1. Identifiers: MedGen C3495498, MONDO:0008647, OMIM 192600.
Atrial septal defect 3 (ASD3). Identifiers: Orphanet 1478, MedGen C3279790, MONDO:0013567, OMIM 614089.
Dilated cardiomyopathy 1EE (CMD1EE). Identifiers: Orphanet 154, MedGen C2750466, MONDO:0013198, OMIM 613252.
Hypertrophic cardiomyopathy 14. Identifiers: MedGen C2750467, MONDO:0013197, OMIM 613251.
Cardiovascular phenotype. Identifiers: MedGen CN230736.
MYH6-related disorder. Also called: MYH6-Related Disorders; MYH6-related condition.

Allele frequency attached by ClinVar (database versions not stated): gnomAD 0.00001; gnomAD exomes 0.00001 and 0.00002; TOPMed 0.00001.
gnomAD v4.1: 9 of 1,614,024 alleles (0.00056%); highest among the groups gnomAD compares: Admixed American, 0.015%; no homozygotes.

Submissions (5):

PreventionGenetics, part of Exact Sciences
Classification: Uncertain significance for MYH6-related condition. Last evaluated: 2026-09-18. Review status: criteria provided, single submitter. Criteria: ACMG Guidelines, 2015. Collection method: clinical testing. Allele origin: germline.
Comment: The MYH6 c.1726G>A variant is predicted to result in the amino acid substitution p.Ala576Thr. To our knowledge, this variant has not been reported in the literature. This variant is reported in 0.017% of alleles in individuals of Latino descent in gnomAD. At this time, the clinical significance of this variant is uncertain due to the absence of conclusive functional and genetic evidence.

Labcorp Genetics (formerly Invitae), Labcorp
Classification: Uncertain significance for Hypertrophic cardiomyopathy 14. Last evaluated: 2025-11-03. Review status: criteria provided, single submitter. Criteria: Invitae Variant Classification Sherloc (09022015). Collection method: clinical testing. Allele origin: germline.
Comment: This sequence change replaces alanine, which is neutral and non-polar, with threonine, which is neutral and polar, at codon 576 of the MYH6 protein (p.Ala576Thr). This variant is present in population databases (no rsID available, gnomAD 0.02%). This variant has not been reported in the literature in individuals affected with MYH6-related conditions. ClinVar contains an entry for this variant (Variation ID: 642567). Invitae Evidence Modeling of protein sequence and biophysical properties (such as structural, functional, and spatial information, amino acid conservation, physicochemical variation, residue mobility, and thermodynamic stability) indicates that this missense variant is not expected to disrupt MYH6 protein function with a negative predictive value of 80%. In summary, the available evidence is currently insufficient to determine the role of this variant in disease. Therefore, it has been classified as a Variant of Uncertain Significance.

Ambry Genetics
Classification: Uncertain significance for Cardiovascular phenotype. Last evaluated: 2025-04-20. Review status: criteria provided, single submitter. Criteria: Ambry Variant Classification Scheme 2023. Collection method: clinical testing. Allele origin: germline.
Comment: The p.A576T variant (also known as c.1726G>A), located in coding exon 13 of the MYH6 gene, results from a G to A substitution at nucleotide position 1726. The alanine at codon 576 is replaced by threonine, an amino acid with similar properties. This amino acid position is highly conserved in available vertebrate species. In addition, the in silico prediction for this alteration is inconclusive. Since supporting evidence is limited at this time, the clinical significance of this alteration remains unclear.

GeneDx
Classification: Uncertain significance. Last evaluated: 2023-09-12. Review status: criteria provided, single submitter. Criteria: GeneDx Variant Classification Process June 2021. Collection method: clinical testing. Allele origin: germline.
Comment: Has not been previously published as pathogenic or benign to our knowledge; In silico analysis supports that this missense variant has a deleterious effect on protein structure/function

Fulgent Genetics
Classification: Uncertain significance for Hypertrophic cardiomyopathy 1; Hypertrophic cardiomyopathy 14; Dilated cardiomyopathy 1EE; Atrial septal defect 3; Sick sinus syndrome 3, susceptibility to. Last evaluated: 2021-08-17. Review status: criteria provided, single submitter. Criteria: ACMG Guidelines, 2015. Collection method: clinical testing. Allele origin: unknown.

NM_002471.4(MYH6):c.1726G>A (p.Ala576Thr)

Gene: MYH6 (myosin heavy chain 6; minus strand). Cytogenetic location: 14q11.2.
Variant type: single nucleotide variant.
Coding change: c.1726G>A on transcript NM_002471.4 (MANE Select); coding-DNA position 1726, G replaced by A.
Protein change: p.Ala576Thr; replaces alanine 576 with threonine.
Molecular consequence: missense variant.
Genome position (GRCh38, 1-based): chr14:23,398,893, C>T on the plus strand (G>A on the coding strand, the complement: MYH6 is on the minus strand). VCF-style: chr14-23398893-C-T. GRCh37 (hg19) VCF-style: chr14-23868102-C-T.
Other names: short protein forms A576T.
Identifiers: ClinVar variation 642567 (VCV000642567.19), dbSNP rs1488705293, ClinGen allele CA389020476.
Genomic context (GRCh38, chr14:23,398,893, plus strand): 5'-CCAGCCAGCCCAGGATGTTGTAGTCCACAGTGCCGGCGTAGTGGATCAGGGAGAAGTGGG[C>T]TTCCTGCTTCCCCTTGATGTTGCGTGGCTTCTGGAAATTGTTGGACTTGCCCAGGTGGTT-3'
Protein context (NP_002462.2, residues 566-586): KPRNIKGKQE[Ala576Thr]HFSLIHYAGT